The following is an entry in ClinVar:

NM_001146.5(ANGPT1):c.746A>G (p.Lys249Arg)

Gene: ANGPT1 (angiopoietin 1; minus strand). Cytogenetic location: 8q23.1.
Variant type: single nucleotide variant.
Coding change: c.746A>G on transcript NM_001146.5 (MANE Select); coding-DNA position 746, A replaced by G.
Protein change: p.Lys249Arg; replaces lysine 249 with arginine.
Molecular consequence: missense variant.
Genome position (GRCh38, 1-based): chr8:107,321,958, T>C on the plus strand (A>G on the coding strand, the complement: ANGPT1 is on the minus strand). VCF-style: chr8-107321958-T-C. GRCh37 (hg19) VCF-style: chr8-108334186-T-C.
Other names: c.746A>G, p.Lys249Arg (NM_001199859.3); c.146A>G, p.Lys49Arg (NM_001314051.2); short protein forms K49R, K249R.
Identifiers: ClinVar variation 2136691 (VCV002136691.4), dbSNP rs776456216, ClinGen allele CA4841277.

ClinVar aggregate classification (germline): Uncertain significance (1 of 4 stars; one submission).

Allele frequency attached by ClinVar (database versions not stated): gnomAD exomes below 0.00001; ExAC 0.00001.
gnomAD v4.1: 1 of 1,614,028 alleles (0.000062%); highest among the groups gnomAD compares: South Asian, 0.0011%; no homozygotes.

Submission:

Labcorp Genetics (formerly Invitae), Labcorp
Classification: Uncertain significance. Last evaluated: 2022-02-20. Review status: criteria provided, single submitter. Criteria: Invitae Variant Classification Sherloc (09022015). Collection method: clinical testing. Allele origin: germline.
Comment: This sequence change replaces lysine, which is basic and polar, with arginine, which is basic and polar, at codon 249 of the ANGPT1 protein (p.Lys249Arg). This variant is present in population databases (rs776456216, gnomAD 0.003%). This missense change has been observed in individual(s) with primary congenital glaucoma (PMID: 29106382). Algorithms developed to predict the effect of missense changes on protein structure and function output the following: SIFT: "Tolerated"; PolyPhen-2: "Benign"; Align-GVGD: "Class C0". The arginine amino acid residue is found in multiple mammalian species, which suggests that this missense change does not adversely affect protein function. Experimental studies have shown that this missense change does not substantially affect ANGPT1 function (PMID: 29106382). In summary, the available evidence is currently insufficient to determine the role of this variant in disease. Therefore, it has been classified as a Variant of Uncertain Significance.

Literature cited by the submitters: PubMed 29106382.